The following is an entry in ClinVar:

NM_001110556.2(FLNA):c.2350C>T (p.Leu784Phe)

Gene: FLNA (filamin A; minus strand). Cytogenetic location: Xq28.
Variant type: single nucleotide variant.
Coding change: c.2350C>T on transcript NM_001110556.2 (MANE Select); coding-DNA position 2350, C replaced by T.
Protein change: p.Leu784Phe; replaces leucine 784 with phenylalanine.
Molecular consequence: missense variant.
Genome position (GRCh38, 1-based): chrX:154,362,715, G>A on the plus strand (C>T on the coding strand, the complement: FLNA is on the minus strand). VCF-style: chrX-154362715-G-A. GRCh37 (hg19) VCF-style: chrX-153591083-G-A.
Other names: c.2350C>T, p.Leu784Phe (NM_001456.4); short protein forms L784F.
Identifiers: ClinVar variation 3602522 (VCV003602522.1).

ClinVar aggregate classification (germline): Uncertain significance (1 of 4 stars; one submission).

Submission:

GeneDx
Classification: Uncertain significance. Last evaluated: 2024-07-31. Review status: criteria provided, single submitter. Criteria: GeneDx Variant Classification Process June 2021. Collection method: clinical testing. Allele origin: germline. Affected: yes.
Comment: Not observed at significant frequency in large population cohorts (gnomAD); In silico analysis supports that this missense variant has a deleterious effect on protein structure/function; Has not been previously published as pathogenic or benign to our knowledge